The following is an entry in ClinVar:

NM_003280.3(TNNC1):c.24+13G>T

Gene: TNNC1 (troponin C1, slow skeletal and cardiac type; minus strand). Cytogenetic location: 3p21.1.
Variant type: single nucleotide variant.
Coding change: c.24+13G>T on transcript NM_003280.3 (MANE Select); 13 bases into the intron after coding-DNA position 24, G replaced by T.
Molecular consequence: intron variant.
Genome position (GRCh38, 1-based): chr3:52,453,979, C>A on the plus strand (G>T on the coding strand, the complement: TNNC1 is on the minus strand). VCF-style: chr3-52453979-C-A. GRCh37 (hg19) VCF-style: chr3-52487995-C-A.
Identifiers: ClinVar variation 228015 (VCV000228015.14), dbSNP rs748590123, ClinGen allele CA10576626.

ClinVar aggregate classification (germline): Likely benign. Review status: criteria provided, multiple submitters, no conflicts (2 of 4 stars). 2 submissions from 2 submitters: Likely benign (2). Last evaluated 2026-01-21.

Conditions:
Hypertrophic cardiomyopathy 13. Also called: TNNC1-Related Familial Hypertrophic Cardiomyopathy. Identifiers: MedGen C2750472, MONDO:0013195, OMIM 613243.
Dilated cardiomyopathy 1Z (CMD1Z). Identifiers: Orphanet 154, MedGen C2678475, MONDO:0012745, OMIM 611879.

Allele frequency attached by ClinVar (database versions not stated): gnomAD exomes below 0.00001; gnomAD 0.00003; TOPMed 0.00005.
gnomAD v4.1: 7 of 1,584,648 alleles (0.00044%); highest among the groups gnomAD compares: African/African-American, 0.0081%; no homozygotes.

Submissions (2):

Labcorp Genetics (formerly Invitae), Labcorp
Classification: Likely benign for Hypertrophic cardiomyopathy 13; Dilated cardiomyopathy 1Z. Last evaluated: 2026-01-21. Review status: criteria provided, single submitter. Criteria: Invitae Variant Classification Sherloc (09022015). Collection method: clinical testing. Allele origin: germline.

Laboratory for Molecular Medicine, Mass General Brigham Personalized Medicine
Classification: Likely benign. Last evaluated: 2015-03-16. Review status: criteria provided, single submitter. Criteria: LMM Criteria. Collection method: clinical testing. Allele origin: germline. Observed: 1 variant allele.
Comment: c.24+13G>T in intron 1 of TNNC1: This variant is not expected to have clinical s ignificance because it is not located within the splice consensus sequence.